The following is an entry in ClinVar:

ClinVar aggregate classification (germline): Uncertain significance (1 of 4 stars; one submission).

Conditions:
MHC class II deficiency. Also called: Bare lymphocyte syndrome 2; BLS, TYPE II. Identifiers: Orphanet 572, MedGen C5447452, MONDO:0008855.

Submission:

Labcorp Genetics (formerly Invitae), Labcorp
Classification: Uncertain significance for MHC class II deficiency. Last evaluated: 2019-12-20. Review status: criteria provided, single submitter. Criteria: Invitae Variant Classification Sherloc (09022015). Collection method: clinical testing. Allele origin: germline.
Comment: In summary, the available evidence is currently insufficient to determine the role of this variant in disease. Therefore, it has been classified as a Variant of Uncertain Significance. Algorithms developed to predict the effect of missense changes on protein structure and function are either unavailable or do not agree on the potential impact of this missense change (SIFT: "Tolerated"; PolyPhen-2: "Possibly Damaging"; Align-GVGD: "Class C0"). This variant has not been reported in the literature in individuals with RFX5-related conditions. This variant is not present in population databases (ExAC no frequency). This sequence change replaces aspartic acid with asparagine at codon 4 of the RFX5 protein (p.Asp4Asn). The aspartic acid residue is moderately conserved and there is a small physicochemical difference between aspartic acid and asparagine.

NM_001025603.2(RFX5):c.10G>A (p.Asp4Asn)

Gene: RFX5 (regulatory factor X5; minus strand). Cytogenetic location: 1q21.3.
Variant type: single nucleotide variant.
Coding change: c.10G>A on transcript NM_001025603.2 (MANE Select); coding-DNA position 10, G replaced by A.
Protein change: p.Asp4Asn; replaces aspartic acid 4 with asparagine.
Molecular consequence: missense variant.
Genome position (GRCh38, 1-based): chr1:151,346,311, C>T on the plus strand (G>A on the coding strand, the complement: RFX5 is on the minus strand). VCF-style: chr1-151346311-C-T. GRCh37 (hg19) VCF-style: chr1-151318787-C-T.
Other names: c.10G>A, p.Asp4Asn (NM_000449.4, NM_001379412.1, NM_001379413.1 and 7 more transcripts); short protein forms D4N.
Identifiers: ClinVar variation 864491 (VCV000864491.10), dbSNP rs1651053936, ClinGen allele CA341947610.